The following is an entry in ClinVar:

NM_000238.4(KCNH2):c.2407_2409del (p.Asp803del)

Gene: KCNH2 (potassium voltage-gated channel subfamily H member 2; minus strand). Cytogenetic location: 7q36.1.
Variant type: Deletion.
Coding change: c.2407_2409del on transcript NM_000238.4 (MANE Select); coding-DNA positions 2407 to 2409, 3 bases deleted (GAC; older notation c.2407_2409delGAC).
Protein change: p.Asp803del; deletes aspartic acid 803.
Molecular consequence: inframe deletion.
Genome position (GRCh38, 1-based): chr7:150,949,039-150,949,041, GTC deleted on the plus strand (GAC on the coding strand, the reverse complement: KCNH2 is on the minus strand). VCF-style (leftmost placement, unchanged base first): chr7-150949038-TGTC-T. GRCh37 (hg19) VCF-style: chr7-150646126-TGTC-T.
Other names: c.1387_1389del, p.Asp463del (NM_172057.3); short protein forms D463del, D803del.
Identifiers: ClinVar variation 853544 (VCV000853544.7), dbSNP rs1801033638, ClinGen allele CA916080386.

ClinVar aggregate classification (germline): Uncertain significance (1 of 4 stars; one submission).

Conditions:
Long QT syndrome (LQTS). Identifiers: MedGen C0023976, MeSH D008133, MONDO:0002442. Disease mechanism: loss of function. Inheritance: Various modes of inheritance.

Submission:

Labcorp Genetics (formerly Invitae), Labcorp
Classification: Uncertain significance for Long QT syndrome. Last evaluated: 2022-08-10. Review status: criteria provided, single submitter. Criteria: Invitae Variant Classification Sherloc (09022015). Collection method: clinical testing. Allele origin: germline.
Comment: Experimental studies and prediction algorithms are not available or were not evaluated, and the functional significance of this variant is currently unknown. ClinVar contains an entry for this variant (Variation ID: 853544). This variant has not been reported in the literature in individuals affected with KCNH2-related conditions. This variant is not present in population databases (gnomAD no frequency). This variant, c.2407_2409del, results in the deletion of 1 amino acid(s) of the KCNH2 protein (p.Asp803del), but otherwise preserves the integrity of the reading frame. In summary, the available evidence is currently insufficient to determine the role of this variant in disease. Therefore, it has been classified as a Variant of Uncertain Significance.